The following is an entry in ClinVar:

NM_001287.6(CLCN7):c.667C>T (p.Arg223Trp)

Gene: CLCN7 (chloride voltage-gated channel 7; minus strand). Cytogenetic location: 16p13.3.
Variant type: single nucleotide variant.
Coding change: c.667C>T on transcript NM_001287.6 (MANE Select); coding-DNA position 667, C replaced by T.
Protein change: p.Arg223Trp; replaces arginine 223 with tryptophan.
Molecular consequence: missense variant.
Genome position (GRCh38, 1-based): chr16:1,459,115, G>A on the plus strand (C>T on the coding strand, the complement: CLCN7 is on the minus strand). VCF-style: chr16-1459115-G-A. GRCh37 (hg19) VCF-style: chr16-1509116-G-A.
Other names: c.595C>T, p.Arg199Trp (NM_001114331.3); c.667C>T (NM_001287.4); short protein forms R199W, R223W.
Identifiers: ClinVar variation 1391362 (VCV001391362.7), dbSNP rs777300281, ClinGen allele CA7810675.

ClinVar aggregate classification (germline): Uncertain significance. Review status: criteria provided, multiple submitters, no conflicts (2 of 4 stars). 2 submissions from 2 submitters: Uncertain significance (2). Last evaluated 2025-03-20.

Conditions:
Inborn genetic diseases. Identifiers: MedGen C0950123, MeSH D030342.

Allele frequency attached by ClinVar (database versions not stated): gnomAD 0.00001; gnomAD exomes 0.00001; ExAC 0.00003.
gnomAD v4.1: 23 of 1,610,466 alleles (0.0014%); highest among the groups gnomAD compares: African/African-American, 0.004%; no homozygotes.

Submissions (2):

Labcorp Genetics (formerly Invitae), Labcorp
Classification: Uncertain significance. Last evaluated: 2025-03-20. Review status: criteria provided, single submitter. Criteria: Invitae Variant Classification Sherloc (09022015). Collection method: clinical testing. Allele origin: germline.
Comment: This sequence change replaces arginine, which is basic and polar, with tryptophan, which is neutral and slightly polar, at codon 223 of the CLCN7 protein (p.Arg223Trp). The frequency data for this variant in the population databases is considered unreliable, as metrics indicate poor data quality at this position in the gnomAD database. This variant has not been reported in the literature in individuals affected with CLCN7-related conditions. ClinVar contains an entry for this variant (Variation ID: 1391362). Invitae Evidence Modeling of protein sequence and biophysical properties (such as structural, functional, and spatial information, amino acid conservation, physicochemical variation, residue mobility, and thermodynamic stability) indicates that this missense variant is expected to disrupt CLCN7 protein function with a positive predictive value of 95%. In summary, the available evidence is currently insufficient to determine the role of this variant in disease. Therefore, it has been classified as a Variant of Uncertain Significance.

Ambry Genetics
Classification: Uncertain significance for Inborn genetic diseases. Last evaluated: 2025-02-25. Review status: criteria provided, single submitter. Criteria: Ambry Variant Classification Scheme 2023. Collection method: clinical testing. Allele origin: germline.